The following is an entry in ClinVar:

NM_004525.3(LRP2):c.5431A>G (p.Arg1811Gly)

Gene: LRP2 (LDL receptor related protein 2; minus strand). Cytogenetic location: 2q31.1.
Variant type: single nucleotide variant.
Coding change: c.5431A>G on transcript NM_004525.3 (MANE Select); coding-DNA position 5431, A replaced by G.
Protein change: p.Arg1811Gly; replaces arginine 1811 with glycine.
Molecular consequence: missense variant.
Genome position (GRCh38, 1-based): chr2:169,225,417, T>C on the plus strand (A>G on the coding strand, the complement: LRP2 is on the minus strand). VCF-style: chr2-169225417-T-C. GRCh37 (hg19) VCF-style: chr2-170081927-T-C.
Other names: short protein forms R1811G.
Identifiers: ClinVar variation 2121390 (VCV002121390.4), dbSNP rs2545850308, ClinGen allele CA349139249.

ClinVar aggregate classification (germline): Uncertain significance (1 of 4 stars; one submission).

Submission:

Labcorp Genetics (formerly Invitae), Labcorp
Classification: Uncertain significance. Last evaluated: 2024-05-06. Review status: criteria provided, single submitter. Criteria: Invitae Variant Classification Sherloc (09022015). Collection method: clinical testing. Allele origin: germline.
Comment: This sequence change replaces arginine, which is basic and polar, with glycine, which is neutral and non-polar, at codon 1811 of the LRP2 protein (p.Arg1811Gly). This variant is not present in population databases (gnomAD no frequency). This variant has not been reported in the literature in individuals affected with LRP2-related conditions. ClinVar contains an entry for this variant (Variation ID: 2121390). Advanced modeling of protein sequence and biophysical properties (such as structural, functional, and spatial information, amino acid conservation, physicochemical variation, residue mobility, and thermodynamic stability) performed at Invitae indicates that this missense variant is expected to disrupt LRP2 protein function with a positive predictive value of 95%. In summary, the available evidence is currently insufficient to determine the role of this variant in disease. Therefore, it has been classified as a Variant of Uncertain Significance.